The following is an entry in ClinVar:

ClinVar aggregate classification (germline): Uncertain significance (1 of 4 stars; one submission).

Submission:

GeneDx
Classification: Uncertain significance. Last evaluated: 2024-10-08. Review status: criteria provided, single submitter. Criteria: GeneDx Variant Classification Process June 2021. Collection method: clinical testing. Allele origin: germline. Affected: yes.
Comment: In vitro functional studies suggest reduced nucleosome binding and DNA methylation (PMID: 31485078); In silico analysis supports that this missense variant has a deleterious effect on protein structure/function; This variant is associated with the following publications: (PMID: 33087320, 27317772, 28941052, 36630129, 31091831, 33649938, 31485078)

NM_022552.5(DNMT3A):c.1094A>G (p.Tyr365Cys)

Gene: DNMT3A (DNA methyltransferase 3 alpha; minus strand). Cytogenetic location: 2p23.3.
Variant type: single nucleotide variant.
Coding change: c.1094A>G on transcript NM_022552.5 (MANE Select); coding-DNA position 1094, A replaced by G.
Protein change: p.Tyr365Cys; replaces tyrosine 365 with cysteine.
Molecular consequence: missense variant. On other transcripts: non-coding transcript variant (1).
Genome position (GRCh38, 1-based): chr2:25,247,079, T>C on the plus strand (A>G on the coding strand, the complement: DNMT3A is on the minus strand). VCF-style: chr2-25247079-T-C. GRCh37 (hg19) VCF-style: chr2-25469948-T-C.
Other names: c.638A>G, p.Tyr213Cys (NM_001320893.1); c.425A>G, p.Tyr142Cys (NM_001375819.1); c.527A>G, p.Tyr176Cys (NM_153759.3); c.1094A>G, p.Tyr365Cys (NM_175629.2); short protein forms Y142C, Y176C, Y213C, Y365C.
Identifiers: ClinVar variation 3777310 (VCV003777310.1).